The following is an entry in ClinVar:

NM_004006.3(DMD):c.872C>T (p.Ser291Phe)

Gene: DMD (dystrophin; minus strand). Cytogenetic location: Xp21.1.
Variant type: single nucleotide variant.
Coding change: c.872C>T on transcript NM_004006.3 (MANE Select); coding-DNA position 872, C replaced by T.
Protein change: p.Ser291Phe; replaces serine 291 with phenylalanine.
Molecular consequence: missense variant.
Genome position (GRCh38, 1-based): chrX:32,697,958, G>A on the plus strand (C>T on the coding strand, the complement: DMD is on the minus strand). VCF-style: chrX-32697958-G-A. GRCh37 (hg19) VCF-style: chrX-32716075-G-A.
Other names: c.848C>T, p.Ser283Phe (NM_000109.4); c.860C>T, p.Ser287Phe (NM_004009.3); c.503C>T, p.Ser168Phe (NM_004010.3); short protein forms S291F, S168F, S283F, S287F.
Identifiers: ClinVar variation 1387815 (VCV001387815.6), dbSNP rs2147582337, ClinGen allele CA412668646.
Genomic context (GRCh38, chrX:32,697,958, plus strand): 5'-TCAGAGGTGGTGACATAAGCAGCCTGTGTGTAGGCATAGCTCTTGAATCGAGGCTTAGGG[G>A]AAGAAGTTCTCTCATATCCCTGTGCTAGACTGACCGTGATCTGCAGAGAAGGGTTTGGGG-3'
Protein context (NP_003997.2, residues 281-301): SLAQGYERTS[Ser291Phe]PKPRFKSYAY

ClinVar aggregate classification (germline): Uncertain significance. Review status: criteria provided, multiple submitters, no conflicts (2 of 4 stars). 2 submissions from 2 submitters: Uncertain significance (2). Last evaluated 2024-02-09.

Conditions:
Duchenne muscular dystrophy (DMD). Also called: MUSCULAR DYSTROPHY, PSEUDOHYPERTROPHIC PROGRESSIVE, DUCHENNE TYPE; Duchenne Muscular Dystrophy (DMD). Identifiers: Orphanet 98896, MedGen C0013264, MONDO:0010679, OMIM 310200.

gnomAD v4.1: 6 of 1,204,343 alleles (0.0005%); highest among the groups gnomAD compares: Non-Finnish European, 0.00067%; no homozygotes.

Submissions (2):

Blueprint Genetics
Classification: Uncertain significance. Last evaluated: 2024-02-09. Review status: criteria provided, single submitter. Criteria: ACMG Guidelines, 2015. Collection method: clinical testing. Allele origin: germline.

Labcorp Genetics (formerly Invitae), Labcorp
Classification: Uncertain significance for Duchenne muscular dystrophy. Last evaluated: 2022-02-05. Review status: criteria provided, single submitter. Criteria: Invitae Variant Classification Sherloc (09022015). Collection method: clinical testing. Allele origin: germline.
Comment: This sequence change replaces serine, which is neutral and polar, with phenylalanine, which is neutral and non-polar, at codon 291 of the DMD protein (p.Ser291Phe). This variant is not present in population databases (gnomAD no frequency). This variant has not been reported in the literature in individuals affected with DMD-related conditions. Algorithms developed to predict the effect of missense changes on protein structure and function are either unavailable or do not agree on the potential impact of this missense change (SIFT: "Deleterious"; PolyPhen-2: "Probably Damaging"; Align-GVGD: "Class C15"). In summary, the available evidence is currently insufficient to determine the role of this variant in disease. Therefore, it has been classified as a Variant of Uncertain Significance.